The following is an entry in ClinVar:

ClinVar aggregate classification (germline): Pathogenic (1 of 4 stars; one submission).

Submission:

Labcorp Genetics (formerly Invitae), Labcorp
Classification: Pathogenic. Last evaluated: 2023-10-30. Review status: criteria provided, single submitter. Criteria: Invitae Variant Classification Sherloc (09022015). Collection method: clinical testing. Allele origin: germline.
Comment: This sequence change creates a premature translational stop signal (p.Tyr477*) in the LRPPRC gene. It is expected to result in an absent or disrupted protein product. Loss-of-function variants in LRPPRC are known to be pathogenic (PMID: 26510951). This variant is not present in population databases (gnomAD no frequency). This variant has not been reported in the literature in individuals affected with LRPPRC-related conditions. For these reasons, this variant has been classified as Pathogenic.

Literature cited by the submitters: PubMed 26510951.

NM_133259.4(LRPPRC):c.1431T>A (p.Tyr477Ter)

Gene: LRPPRC (leucine rich pentatricopeptide repeat containing; minus strand). Cytogenetic location: 2p21.
Variant type: single nucleotide variant.
Coding change: c.1431T>A on transcript NM_133259.4 (MANE Select); coding-DNA position 1431, T replaced by A.
Protein change: p.Tyr477Ter; replaces tyrosine 477 with a stop codon.
Molecular consequence: nonsense.
Genome position (GRCh38, 1-based): chr2:43,963,645, A>T on the plus strand (T>A on the coding strand, the complement: LRPPRC is on the minus strand). VCF-style: chr2-43963645-A-T. GRCh37 (hg19) VCF-style: chr2-44190784-A-T.
Other names: short protein forms Y477*.
Identifiers: ClinVar variation 2772908 (VCV002772908.3), dbSNP rs746627889, ClinGen allele CA346679370.
Genomic context (GRCh38, chr2:43,963,645, plus strand): 5'-CACCTGCAAAATGGCTCGTGCTGAGTTTACACTATCAAAGCATGGAATCACATAATCTGT[A>T]TATGTTTCCTGATCAGGATGTACTCCCAATTCTTGCATTCCTTTGAGGATTTCAATTATA-3'